The following is an entry in ClinVar:

ClinVar aggregate classification (germline): Uncertain significance. Review status: criteria provided, multiple submitters, no conflicts (2 of 4 stars). 2 submissions from 2 submitters: Uncertain significance (2). Last evaluated 2025-06-24.

Conditions:
Inborn genetic diseases. Identifiers: MedGen C0950123, MeSH D030342.

Allele frequency attached by ClinVar (database versions not stated): ESP Exome Variant Server 0.00023.
gnomAD v4.1: 179 of 1,612,766 alleles (0.011%); highest among the groups gnomAD compares: South Asian, 0.04%; 1 homozygote.

Submissions (2):

Ambry Genetics
Classification: Uncertain significance for Inborn genetic diseases. Last evaluated: 2025-06-24. Review status: criteria provided, single submitter. Criteria: Ambry Variant Classification Scheme 2023. Collection method: clinical testing. Allele origin: germline.

GeneDx
Classification: Uncertain significance. Last evaluated: 2023-03-03. Review status: criteria provided, single submitter. Criteria: GeneDx Variant Classification Process June 2021. Collection method: clinical testing. Allele origin: germline. Affected: yes.
Comment: In silico analysis supports that this missense variant does not alter protein structure/function; Has not been previously published as pathogenic or benign to our knowledge

NM_020639.3(RIPK4):c.1756G>A (p.Val586Ile)

Gene: RIPK4 (receptor interacting serine/threonine kinase 4; minus strand). Cytogenetic location: 21q22.3.
Variant type: single nucleotide variant.
Coding change: c.1756G>A on transcript NM_020639.3 (MANE Select); coding-DNA position 1756, G replaced by A.
Protein change: p.Val586Ile; replaces valine 586 with isoleucine.
Molecular consequence: missense variant.
Genome position (GRCh38, 1-based): chr21:41,741,437, C>T on the plus strand (G>A on the coding strand, the complement: RIPK4 is on the minus strand). VCF-style: chr21-41741437-C-T. GRCh37 (hg19) VCF-style: chr21-43161597-C-T.
Other names: short protein forms V586I.
Identifiers: ClinVar variation 2578118 (VCV002578118.3), dbSNP rs145580948, ClinGen allele CA10035222.